The following is an entry in ClinVar:

NM_000474.4(TWIST1):c.396_416dup (p.Lys133_Pro139dup)

Gene: TWIST1 (twist family bHLH transcription factor 1; minus strand). Cytogenetic location: 7p21.1.
Variant type: Duplication.
Coding change: c.396_416dup on transcript NM_000474.4 (MANE Select); coding-DNA positions 396 to 416, 21 bases duplicated (GAAGATCATCCCCACGCTGCC).
Protein change: p.Lys133_Pro139dup.
Molecular consequence: inframe insertion. On other transcripts: non-coding transcript variant (1).
Genome position (GRCh38, 1-based): chr7:19,116,906-19,116,926, GGCAGCGTGGGGATGATCTTC duplicated on the plus strand (GAAGATCATCCCCACGCTGCC on the coding strand, the reverse complement: TWIST1 is on the minus strand). VCF-style (leftmost placement, unchanged base first): chr7-19116905-G-GGGCAGCGTGGGGATGATCTTC. GRCh37 (hg19) VCF-style: chr7-19156528-G-GGGCAGCGTGGGGATGATCTTC.
Identifiers: ClinVar variation 543075 (VCV000543075.51), dbSNP rs1554441991, ClinGen allele CA658796907.

ClinVar aggregate classification (germline): Pathogenic. Review status: criteria provided, multiple submitters, no conflicts (2 of 4 stars). 3 submissions from 3 submitters: Pathogenic (3). Last evaluated 2025-06-12.

Conditions:
TWIST1-related craniosynostosis (CRS1). Also called: CRANIOSYNOSTOSIS 1. Identifiers: Orphanet 63440, MedGen C4551902, MONDO:0007399, OMIM 123100. Inheritance: Heterogenous inheritance pattern.
Saethre-Chotzen syndrome (SCS). Also called: ACROCEPHALY, SKULL ASYMMETRY, AND MILD SYNDACTYLY; ACS III; CHOTZEN SYNDROME. Identifiers: Orphanet 794, MedGen C0175699, MONDO:0007042, OMIM 101400.

Submissions (3):

GeneDx
Classification: Pathogenic. Last evaluated: 2025-06-12. Review status: criteria provided, single submitter. Criteria: GeneDx Variant Classification Process June 2021. Collection method: clinical testing. Allele origin: germline. Affected: yes.
Comment: In-frame duplication of seven amino acids in a non-repeat region; Not observed at significant frequency in large population cohorts (gnomAD); This variant is associated with the following publications: (PMID: 11248247, 16838304, 17621648, 19755431, 8988167, 14513358, 20643727, 10749989, 31754721, 33937142, 8988166, 26114524)

Labcorp Genetics (formerly Invitae), Labcorp
Classification: Pathogenic for TWIST1-related craniosynostosis; Saethre-Chotzen syndrome. Last evaluated: 2025-03-19. Review status: criteria provided, single submitter. Criteria: Invitae Variant Classification Sherloc (09022015). Collection method: clinical testing. Allele origin: germline.
Comment: This variant, c.396_416dup, results in the insertion of 7 amino acid(s) of the TWIST1 protein (p.Lys133_Pro139dup), but otherwise preserves the integrity of the reading frame. This variant is not present in population databases (gnomAD no frequency). This variant has been observed in individual(s) with Saethre-Chotzen syndrome (PMID: 8988166, 8988167, 11992718, 14513358, 16251895, 19755431, 20643727). It has also been observed to segregate with disease in related individuals. This variant is also known as "type 1 duplication", "416ins21" and "416_417dup21" (PMID: 8988167, 8988166, 14513358). ClinVar contains an entry for this variant (Variation ID: 543075). Experimental studies and prediction algorithms are not available or were not evaluated, and the functional significance of this variant is currently unknown. This insertion is located within the conserved loop region of the basic helix-loop-helix (bHLH) domain of the TWIST1 protein. The bHLH domain is essential for protein dimerization and DNA-binding (PMID: 11992718). Two different 7 amino acid in-frame duplications in the loop region have been reported in individuals affected with Saethre-Chotzen syndrome (PMID: 16251895, 14513358) and a different variant (c.397_417dup21) giving rise to the same protein effect observed here (p.Lys133_Pro139dup) has also been reported in an individual affected with Saethre-Chotzen syndrome (PMID: 8988167, 16251895), which suggests that insertions in this region are deleterious. For these reasons, this variant has been classified as Pathogenic.

CeGaT Center for Human Genetics Tuebingen
Classification: Pathogenic. Last evaluated: 2019-07-01. Review status: criteria provided, single submitter. Criteria: CeGaT Center For Human Genetics Tuebingen Variant Classification Criteria Version 2. Collection method: clinical testing. Allele origin: germline. Affected: yes. Observed: 1 variant allele.

Literature cited by the submitters: PubMed 8988166 (cited by Labcorp Genetics (formerly Invitae), Labcorp); PubMed 8988167 (cited by Labcorp Genetics (formerly Invitae), Labcorp); PubMed 11992718 (cited by Labcorp Genetics (formerly Invitae), Labcorp); PubMed 14513358 (cited by Labcorp Genetics (formerly Invitae), Labcorp); PubMed 16251895 (cited by Labcorp Genetics (formerly Invitae), Labcorp); PubMed 19755431 (cited by Labcorp Genetics (formerly Invitae), Labcorp); PubMed 20643727 (cited by Labcorp Genetics (formerly Invitae), Labcorp).